The following is an entry in ClinVar:

NM_198578.4(LRRK2):c.270A>T (p.Glu90Asp)

Gene: LRRK2 (leucine rich repeat kinase 2; plus strand). Cytogenetic location: 12q12.
Variant type: single nucleotide variant.
Coding change: c.270A>T on transcript NM_198578.4 (MANE Select); coding-DNA position 270, A replaced by T.
Protein change: p.Glu90Asp; replaces glutamic acid 90 with aspartic acid.
Molecular consequence: missense variant.
Genome position (GRCh38, 1-based): chr12:40,232,306, A>T. VCF-style: chr12-40232306-A-T. GRCh37 (hg19) VCF-style: chr12-40626108-A-T.
Other names: short protein forms E90D.
Identifiers: ClinVar variation 1795032 (VCV001795032.2), dbSNP rs1941238776, ClinGen allele CA384401404.
Genomic context (GRCh38, chr12:40,232,306, plus strand): 5'-TGTGAATATATGTCTTTCTTGTTTTCAGGTGGGTTGGTCACTTCTGTGCAAATTAATAGA[A>T]GTCTGTCCAGGTACAATGCAAAGCTTAATGGGACCCCAGGATGTTGGAAATGATTGGGAA-3'
Protein context (NP_940980.4, residues 80-100): VGWSLLCKLI[Glu90Asp]VCPGTMQSLM

ClinVar aggregate classification (germline): Uncertain significance (1 of 4 stars; one submission).

Conditions:
Inborn genetic diseases. Identifiers: MedGen C0950123, MeSH D030342.

Submission:

Ambry Genetics
Classification: Uncertain significance for Inborn genetic diseases. Last evaluated: 2022-04-21. Review status: criteria provided, single submitter. Criteria: Ambry Variant Classification Scheme 2023. Collection method: clinical testing. Allele origin: germline.
Comment: The p.E90D variant (also known as c.270A>T), located in coding exon 3 of the LRRK2 gene, results from an A to T substitution at nucleotide position 270. The glutamic acid at codon 90 is replaced by aspartic acid, an amino acid with highly similar properties. This amino acid position is conserved. In addition, this alteration is predicted to be tolerated by in silico analysis. Since supporting evidence is limited at this time, the clinical significance of this alteration remains unclear.